The following is an entry in ClinVar:

NM_000037.4(ANK1):c.17del (p.Gly6fs)

Gene: ANK1 (ankyrin 1; minus strand). Cytogenetic location: 8p11.21.
Variant type: Deletion.
Coding change: c.17del on transcript NM_000037.4 (MANE Select); coding-DNA position 17, one base deleted (G; older notation c.17delG).
Protein change: p.Gly6fs; shifts the reading frame from glycine 6.
Molecular consequence: frameshift variant. On other transcripts: intron variant (1).
Genome position (GRCh38, 1-based): chr8:41,797,522, C deleted on the plus strand (G on the coding strand, the reverse complement: ANK1 is on the minus strand); the first of 3 consecutive C bases (chr8:41,797,522-41,797,524); deleting any one gives the same sequence. VCF-style (leftmost placement, unchanged base first): chr8-41797521-GC-G. GRCh37 (hg19) VCF-style: chr8-41655039-GC-G.
Other names: c.17del, p.Gly6fs (NM_020475.3, NM_020476.3, NM_020477.3); c.127-39385del (NM_001142446.2); short protein forms G6fs.
Identifiers: ClinVar variation 3638255 (VCV003638255.2).

ClinVar aggregate classification (germline): Pathogenic (1 of 4 stars; one submission).

Submission:

Labcorp Genetics (formerly Invitae), Labcorp
Classification: Pathogenic. Last evaluated: 2024-02-02. Review status: criteria provided, single submitter. Criteria: Invitae Variant Classification Sherloc (09022015). Collection method: clinical testing. Allele origin: germline.
Comment: This sequence change creates a premature translational stop signal (p.Gly6Alafs*12) in the ANK1 gene. It is expected to result in an absent or disrupted protein product. Loss-of-function variants in ANK1 are known to be pathogenic (PMID: 8640229). This variant is not present in population databases (gnomAD no frequency). This variant has not been reported in the literature in individuals affected with ANK1-related conditions. For these reasons, this variant has been classified as Pathogenic.

Literature cited by the submitters: PubMed 8640229.